The following is an entry in ClinVar:

ClinVar aggregate classification (germline): Pathogenic/Likely pathogenic. Review status: criteria provided, multiple submitters, no conflicts (2 of 4 stars). 2 submissions from 2 submitters: Pathogenic (1); Likely pathogenic (1). Last evaluated 2025-10-15.

Conditions:
Myasthenic syndrome, congenital, 22 (CMS22). Also called: PREPL DEFICIENCY. Identifiers: MedGen C4479088, MONDO:0044299, OMIM 616224.

Allele frequency attached by ClinVar (database versions not stated): TOPMed 0.00001; gnomAD 0.00001.
gnomAD v4.1: 8 of 1,609,416 alleles (0.0005%); highest among the groups gnomAD compares: Non-Finnish European, 0.00068%; no homozygotes.

Submissions (2):

GeneDx
Classification: Pathogenic. Last evaluated: 2025-10-15. Review status: criteria provided, single submitter. Criteria: GeneDx Variant Classification Process June 2021. Collection method: clinical testing. Allele origin: germline. Affected: yes.
Comment: Not observed at significant frequency in large population cohorts (gnomAD); Canonical splice site variant predicted to result in a null allele in a gene for which loss of function is a known mechanism of disease; This variant is associated with the following publications: (PMID: 31985178, 37212067, 29913539)

Labcorp Genetics (formerly Invitae), Labcorp
Classification: Likely pathogenic for Myasthenic syndrome, congenital, 22. Last evaluated: 2022-09-29. Review status: criteria provided, single submitter. Criteria: Invitae Variant Classification Sherloc (09022015). Collection method: clinical testing. Allele origin: germline.
Comment: This sequence change affects a donor splice site in intron 9 of the PREPL gene. It is expected to disrupt RNA splicing. Variants that disrupt the donor or acceptor splice site typically lead to a loss of protein function (PMID: 16199547), and loss-of-function variants in PREPL are known to be pathogenic (PMID: 24610330, 28726805, 29913539). This variant is not present in population databases (gnomAD no frequency). This variant has not been reported in the literature in individuals affected with PREPL-related conditions. ClinVar contains an entry for this variant (Variation ID: 566684). Algorithms developed to predict the effect of sequence changes on RNA splicing suggest that this variant may disrupt the consensus splice site. In summary, the currently available evidence indicates that the variant is pathogenic, but additional data are needed to prove that conclusively. Therefore, this variant has been classified as Likely Pathogenic.

Literature cited by the submitters: PubMed 16199547 (cited by Labcorp Genetics (formerly Invitae), Labcorp); PubMed 24610330 (cited by Labcorp Genetics (formerly Invitae), Labcorp); PubMed 28726805 (cited by Labcorp Genetics (formerly Invitae), Labcorp); PubMed 29913539 (cited by Labcorp Genetics (formerly Invitae), Labcorp).

NM_001171613.2(PREPL):c.1262+1G>A

Gene: PREPL (prolyl endopeptidase like; minus strand). Cytogenetic location: 2p21.
Variant type: single nucleotide variant.
Coding change: c.1262+1G>A on transcript NM_001171613.2 (MANE Select); the canonical splice donor site of the intron after coding-DNA position 1262, G replaced by A.
Molecular consequence: splice donor variant.
Genome position (GRCh38, 1-based): chr2:44,328,936, C>T on the plus strand (G>A on the coding strand, the complement: PREPL is on the minus strand). VCF-style: chr2-44328936-C-T. GRCh37 (hg19) VCF-style: chr2-44556075-C-T.
Other names: c.1262+1G>A (NM_001171617.1, NM_001374277.1); c.1529+1G>A (NM_001171603.1, NM_001374275.1, NM_001374276.1 and 2 more transcripts); c.1343+1G>A (NM_001042385.2); c.1331+1G>A (NM_001042386.2).
Identifiers: ClinVar variation 566684 (VCV000566684.12), dbSNP rs1172015222, ClinGen allele CA346690352.
Genomic context (GRCh38, chr2:44,328,936, plus strand): 5'-ATTCTTGACATCTCTCACAATGGTCTAGCACTTACATGCCAGGTAAAATATACTGACTCA[C>T]CGAACATGGCAGTATGCTAATATCCATCCATCATCCACCAGGACCCGCCTCTCAGGCCTG-3'